The following is an entry in ClinVar:

NM_032638.5(GATA2):c.14_15delinsTG (p.Pro5Leu)

Gene: GATA2 (GATA binding protein 2; minus strand). Cytogenetic location: 3q21.3.
Variant type: Indel.
Coding change: c.14_15delinsTG on transcript NM_032638.5 (MANE Select); coding-DNA positions 14 to 15, CC replaced by TG.
Protein change: p.Pro5Leu; replaces proline 5 with leucine.
Molecular consequence: missense variant.
Genome position (GRCh38, 1-based): chr3:128,487,017-128,487,018, GG replaced by CA on the plus strand (CC replaced by TG on the coding strand, the reverse complement: GATA2 is on the minus strand). VCF-style: chr3-128487017-GG-CA. GRCh37 (hg19) VCF-style: chr3-128205860-GG-CA.
Other names: c.14_15delinsTG, p.Pro5Leu (NM_001145661.2, NM_001145662.1); short protein forms P5L.
Identifiers: ClinVar variation 2122367 (VCV002122367.4), dbSNP rs2472935326, ClinGen allele CA2580068701.

ClinVar aggregate classification (germline): Uncertain significance (1 of 4 stars; one submission).

Conditions:
Monocytopenia with susceptibility to infections. Also called: IMMUNODEFICIENCY 21; GATA2 DEFICIENCY; MONOCYTOPENIA AND MYCOBACTERIAL INFECTION SYNDROME; MONOCYTOPENIA WITH SUSCEPTIBILITY TO MYCOBACTERIAL, FUNGAL, AND PAPILLOMAVIRUS INFECTIONS AND MYELODYSPLASIA; COMBINED IMMUNODEFICIENCY WITH SUSCEPTIBILITY TO MYCOBACTERIAL, VIRAL, AND FUNGAL INFECTIONS; Dendritic cell, monocyte, B lymphocyte, and natural killer lymphocyte deficiency. Identifiers: Orphanet 228423, MedGen C3280030, MONDO:0013607, OMIM 614172.
Deafness-lymphedema-leukemia syndrome. Also called: Lymphedema, primary, with myelodysplasia; Emberger syndrome. Identifiers: Orphanet 3226, MedGen C3279664, MONDO:0013540, OMIM 614038.

Submission:

Labcorp Genetics (formerly Invitae), Labcorp
Classification: Uncertain significance for Monocytopenia with susceptibility to infections; Deafness-lymphedema-leukemia syndrome. Last evaluated: 2022-04-07. Review status: criteria provided, single submitter. Criteria: Invitae Variant Classification Sherloc (09022015). Collection method: clinical testing. Allele origin: germline.
Comment: This sequence change replaces proline, which is neutral and non-polar, with leucine, which is neutral and non-polar, at codon 5 of the GATA2 protein (p.Pro5Leu). Information on the frequency of this variant in the gnomAD database is not available, as this variant may be reported differently in the database. This variant has not been reported in the literature in individuals affected with GATA2-related conditions. Algorithms developed to predict the effect of missense changes on protein structure and function are either unavailable or do not agree on the potential impact of this missense change (SIFT: "Not Available"; PolyPhen-2: "Benign"; Align-GVGD: "Not Available"). In summary, the available evidence is currently insufficient to determine the role of this variant in disease. Therefore, it has been classified as a Variant of Uncertain Significance.